The following is an entry in ClinVar:

NM_015909.4(NBAS):c.886-3C>G

Gene: NBAS (NBAS subunit of NRZ tethering complex; minus strand). Cytogenetic location: 2p24.3.
Variant type: single nucleotide variant.
Coding change: c.886-3C>G on transcript NM_015909.4 (MANE Select); 3 bases into the intron before coding-DNA position 886, C replaced by G.
Molecular consequence: intron variant.
Genome position (GRCh38, 1-based): chr2:15,504,216, G>C on the plus strand (C>G on the coding strand, the complement: NBAS is on the minus strand). VCF-style: chr2-15504216-G-C. GRCh37 (hg19) VCF-style: chr2-15644340-G-C.
Identifiers: ClinVar variation 1687106 (VCV001687106.9), dbSNP rs765170132, ClinGen allele CA1536871.

ClinVar aggregate classification (germline): Uncertain significance. Review status: criteria provided, multiple submitters, no conflicts (2 of 4 stars). 2 submissions from 2 submitters: Uncertain significance (2). Last evaluated 2025-07-07.

Conditions:
Short stature-optic atrophy-Pelger-Huët anomaly syndrome. Also called: Short stature, optic nerve atrophy, and Pelger-Huet anomaly; Short stature-optic atrophy-Pelger-HuC+t anomaly syndrome. Identifiers: Orphanet 391677, MedGen C3541319, MONDO:0013889, OMIM 614800.

Allele frequency attached by ClinVar (database versions not stated): ExAC 0.00001; gnomAD exomes below 0.00001.
gnomAD v4.1: 3 of 1,607,116 alleles (0.00019%); highest among the groups gnomAD compares: South Asian, 0.0033%; no homozygotes.

Submissions (2):

Labcorp Genetics (formerly Invitae), Labcorp
Classification: Uncertain significance. Last evaluated: 2025-07-07. Review status: criteria provided, single submitter. Criteria: Invitae Variant Classification Sherloc (09022015). Collection method: clinical testing. Allele origin: germline.
Comment: This sequence change falls in intron 10 of the NBAS gene. It does not directly change the encoded amino acid sequence of the NBAS protein. It affects a nucleotide within the consensus splice site. This variant is present in population databases (rs765170132, gnomAD 0.003%). This variant has not been reported in the literature in individuals affected with NBAS-related conditions. ClinVar contains an entry for this variant (Variation ID: 1687106). Variants that disrupt the consensus splice site are a relatively common cause of aberrant splicing (PMID: 17576681, 9536098). Algorithms developed to predict the effect of sequence changes on RNA splicing suggest that this variant may disrupt the consensus splice site. In summary, the available evidence is currently insufficient to determine the role of this variant in disease. Therefore, it has been classified as a Variant of Uncertain Significance.

Kasturba Medical College, Manipal, Kasturba Medical College, Manipal, Manipal Academy of Higher Education, Manipal, India
Classification: Uncertain significance for Short stature-optic atrophy-Pelger-Huët anomaly syndrome. Review status: criteria provided, single submitter. Criteria: ACMG Guidelines, 2015. Collection method: clinical testing. Allele origin: germline. Inheritance: Autosomal recessive inheritance. Affected: yes. Observed: 1 homozygote.

Literature cited by the submitters: PubMed 17576681 (cited by Labcorp Genetics (formerly Invitae), Labcorp); PubMed 9536098 (cited by Labcorp Genetics (formerly Invitae), Labcorp).